The following is an entry in ClinVar:

ClinVar aggregate classification (germline): Uncertain significance (1 of 4 stars; one submission).

Conditions:
ASH1L-related disorder. Also called: ASH1L-related condition.

Submission:

PreventionGenetics, part of Exact Sciences
Classification: Uncertain significance for ASH1L-related condition. Last evaluated: 2023-07-11. Review status: criteria provided, single submitter. Criteria: ACMG Guidelines, 2015. Collection method: clinical testing. Allele origin: germline.
Comment: The ASH1L c.3439C>G variant is predicted to result in the amino acid substitution p.Gln1147Glu. To our knowledge, this variant has not been reported in the literature or in a large population database, indicating this variant is rare. At this time, the clinical significance of this variant is uncertain due to the absence of conclusive functional and genetic evidence.

NM_018489.3(ASH1L):c.3439C>G (p.Gln1147Glu)

Gene: ASH1L (ASH1 like histone lysine methyltransferase; minus strand). Cytogenetic location: 1q22.
Variant type: single nucleotide variant.
Coding change: c.3439C>G on transcript NM_018489.3 (MANE Select); coding-DNA position 3439, C replaced by G.
Protein change: p.Gln1147Glu; replaces glutamine 1147 with glutamic acid.
Molecular consequence: missense variant.
Genome position (GRCh38, 1-based): chr1:155,479,431, G>C on the plus strand (C>G on the coding strand, the complement: ASH1L is on the minus strand). VCF-style: chr1-155479431-G-C. GRCh37 (hg19) VCF-style: chr1-155449222-G-C.
Other names: c.3439C>G, p.Gln1147Glu (NM_001366177.2); short protein forms Q1147E.
Identifiers: ClinVar variation 2628526 (VCV002628526.1), dbSNP rs2527164954, ClinGen allele CA342711201.